The following is an entry in ClinVar:

ClinVar aggregate classification (germline): Uncertain significance. Review status: criteria provided, multiple submitters, no conflicts (2 of 4 stars). 3 submissions from 3 submitters: Uncertain significance (3). Last evaluated 2024-10-14.

Conditions:
Hereditary cancer-predisposing syndrome. Also called: Neoplastic Syndromes, Hereditary; Tumor predisposition; Hereditary neoplastic syndrome; Hereditary Cancer Syndrome. Identifiers: Orphanet 140162, MedGen C0027672, MeSH D009386, MONDO:0015356.
Hereditary nonpolyposis colorectal neoplasms. Identifiers: MedGen C0009405, MeSH D003123.

Submissions (3):

Labcorp Genetics (formerly Invitae), Labcorp
Classification: Uncertain significance for Hereditary nonpolyposis colorectal neoplasms. Last evaluated: 2024-10-14. Review status: criteria provided, single submitter. Criteria: Invitae Variant Classification Sherloc (09022015). Collection method: clinical testing. Allele origin: germline.
Comment: This sequence change replaces phenylalanine, which is neutral and non-polar, with valine, which is neutral and non-polar, at codon 569 of the MSH6 protein (p.Phe569Val). This variant is not present in population databases (gnomAD no frequency). This variant has not been reported in the literature in individuals affected with MSH6-related conditions. ClinVar contains an entry for this variant (Variation ID: 628329). Invitae Evidence Modeling of protein sequence and biophysical properties (such as structural, functional, and spatial information, amino acid conservation, physicochemical variation, residue mobility, and thermodynamic stability) indicates that this missense variant is not expected to disrupt MSH6 protein function with a negative predictive value of 95%. In summary, the available evidence is currently insufficient to determine the role of this variant in disease. Therefore, it has been classified as a Variant of Uncertain Significance.

Color Diagnostics, LLC DBA Color Health
Classification: Uncertain significance for Hereditary cancer-predisposing syndrome. Last evaluated: 2023-12-04. Review status: criteria provided, single submitter. Criteria: ACMG Guidelines, 2015. Collection method: clinical testing. Allele origin: germline.
Comment: This missense variant replaces phenylalanine with valine at codon 569 of the MSH6 protein. Computational prediction suggests that this variant may not impact protein structure and function (internally defined REVEL score threshold <= 0.5, PMID: 27666373). To our knowledge, functional studies have not been reported for this variant. This variant has not been reported in individuals affected with MSH6-related disorders in the literature. This variant has not been identified in the general population by the Genome Aggregation Database (gnomAD). The available evidence is insufficient to determine the role of this variant in disease conclusively. Therefore, this variant is classified as a Variant of Uncertain Significance.

Ambry Genetics
Classification: Uncertain significance for Hereditary cancer-predisposing syndrome. Last evaluated: 2023-05-28. Review status: criteria provided, single submitter. Criteria: Ambry Variant Classification Scheme 2023. Collection method: clinical testing. Allele origin: germline.
Comment: The p.F569V variant (also known as c.1705T>G), located in coding exon 4 of the MSH6 gene, results from a T to G substitution at nucleotide position 1705. The phenylalanine at codon 569 is replaced by valine, an amino acid with highly similar properties. This amino acid position is conserved. In addition, the in silico prediction for this alteration is inconclusive. Since supporting evidence is limited at this time, the clinical significance of this alteration remains unclear.

NM_000179.3(MSH6):c.1705T>G (p.Phe569Val)

Gene: MSH6 (mutS homolog 6; plus strand). Cytogenetic location: 2p16.3.
Variant type: single nucleotide variant.
Coding change: c.1705T>G on transcript NM_000179.3 (MANE Select); coding-DNA position 1705, T replaced by G.
Protein change: p.Phe569Val; replaces phenylalanine 569 with valine.
Molecular consequence: missense variant.
Genome position (GRCh38, 1-based): chr2:47,799,688, T>G. VCF-style: chr2-47799688-T-G. GRCh37 (hg19) VCF-style: chr2-48026827-T-G.
Other names: c.1315T>G, p.Phe439Val (NM_001281492.2); c.799T>G, p.Phe267Val (NM_001281493.2, NM_001281494.2); short protein forms F569V, F267V, F439V.
Identifiers: ClinVar variation 628329 (VCV000628329.15), dbSNP rs1553413084, ClinGen allele CA346748543.